The following is an entry in ClinVar:

ClinVar aggregate classification (germline): Uncertain significance (1 of 4 stars; one submission).

Conditions:
Cataract 20 multiple types (CTRCT20). Also called: Membranous cataract. Identifiers: Orphanet 91492, MedGen C0524524, MONDO:0007284, OMIM 116100, HP:0010922.

Allele frequency attached by ClinVar (database versions not stated): ExAC 0.00002; gnomAD exomes 0.00002; gnomAD 0.00003; TOPMed 0.00003.

Submission:

Labcorp Genetics (formerly Invitae), Labcorp
Classification: Uncertain significance for Cataract 20 multiple types. Last evaluated: 2022-10-17. Review status: criteria provided, single submitter. Criteria: Invitae Variant Classification Sherloc (09022015). Collection method: clinical testing. Allele origin: germline.
Comment: This sequence change replaces arginine, which is basic and polar, with histidine, which is basic and polar, at codon 79 of the CRYGS protein (p.Arg79His). This variant is present in population databases (rs764969189, gnomAD 0.008%). In summary, the available evidence is currently insufficient to determine the role of this variant in disease. Therefore, it has been classified as a Variant of Uncertain Significance. Algorithms developed to predict the effect of missense changes on protein structure and function (SIFT, PolyPhen-2, Align-GVGD) all suggest that this variant is likely to be tolerated. ClinVar contains an entry for this variant (Variation ID: 1400078). This variant has not been reported in the literature in individuals affected with CRYGS-related conditions.

NM_017541.4(CRYGS):c.236G>A (p.Arg79His)

Gene: CRYGS (crystallin gamma S; minus strand). Cytogenetic location: 3q27.3.
Variant type: single nucleotide variant.
Coding change: c.236G>A on transcript NM_017541.4 (MANE Select); coding-DNA position 236, G replaced by A.
Protein change: p.Arg79His; replaces arginine 79 with histidine.
Molecular consequence: missense variant.
Genome position (GRCh38, 1-based): chr3:186,539,383, C>T on the plus strand (G>A on the coding strand, the complement: CRYGS is on the minus strand). VCF-style: chr3-186539383-C-T. GRCh37 (hg19) VCF-style: chr3-186257172-C-T.
Other names: short protein forms R79H.
Identifiers: ClinVar variation 1400078 (VCV001400078.7), dbSNP rs764969189, ClinGen allele CA2743903.